The following is an entry in ClinVar:

NM_000548.5(TSC2):c.2836A>G (p.Ser946Gly)

Gene: TSC2 (TSC complex subunit 2; plus strand). Cytogenetic location: 16p13.3.
Variant type: single nucleotide variant.
Coding change: c.2836A>G on transcript NM_000548.5 (MANE Select); coding-DNA position 2836, A replaced by G.
Protein change: p.Ser946Gly; replaces serine 946 with glycine.
Molecular consequence: missense variant.
Genome position (GRCh38, 1-based): chr16:2,076,584, A>G. VCF-style: chr16-2076584-A-G. GRCh37 (hg19) VCF-style: chr16-2126585-A-G.
Other names: c.2836A>G (NM_000548.3); c.2836A>G, p.Arg946Gly (NM_001077183.3, NM_001370404.1); c.2836A>G, p.Ser946Gly (NM_001114382.3, NM_001363528.2, NM_001370405.1 and 1 more transcripts); c.2725A>G, p.Ser909Gly (NM_001318827.2); c.2689A>G, p.Ser897Gly (NM_001318829.2); c.2236A>G, p.Arg746Gly (NM_001318831.2); c.2869A>G, p.Arg957Gly (NM_001318832.2); short protein forms S946G, R957G, R946G, S909G, R746G, S897G.
Identifiers: ClinVar variation 1398510 (VCV001398510.11), dbSNP rs2151396480, ClinGen allele CA394280263.

ClinVar aggregate classification (germline): Uncertain significance. Review status: criteria provided, multiple submitters, no conflicts (2 of 4 stars). 4 submissions from 4 submitters: Uncertain significance (4). Last evaluated 2024-10-24.

Conditions:
Hereditary cancer-predisposing syndrome. Also called: Neoplastic Syndromes, Hereditary; Hereditary neoplastic syndrome; Hereditary Cancer Syndrome; Tumor predisposition. Identifiers: Orphanet 140162, MedGen C0027672, MeSH D009386, MONDO:0015356.
Tuberous sclerosis 2 (TSC2). Identifiers: Orphanet 805, MedGen C1860707, MONDO:0013199, OMIM 613254.
Isolated focal cortical dysplasia type II (FCORD2). Also called: Focal cortical dysplasia type II; CORTICAL DYSPLASIA OF TAYLOR. Identifiers: Orphanet 268994, MedGen C1846385, MONDO:0011818, OMIM 607341, HP:0032051.

Submissions (4):

Labcorp Genetics (formerly Invitae), Labcorp
Classification: Uncertain significance for Tuberous sclerosis 2. Last evaluated: 2024-10-24. Review status: criteria provided, single submitter. Criteria: Invitae Variant Classification Sherloc (09022015). Collection method: clinical testing. Allele origin: germline.
Comment: This sequence change replaces serine, which is neutral and polar, with glycine, which is neutral and non-polar, at codon 946 of the TSC2 protein (p.Ser946Gly). This variant is not present in population databases (gnomAD no frequency). This variant has not been reported in the literature in individuals affected with TSC2-related conditions. ClinVar contains an entry for this variant (Variation ID: 1398510). An algorithm developed to predict the effect of missense changes on protein structure and function (PolyPhen-2) suggests that this variant is likely to be disruptive. In summary, the available evidence is currently insufficient to determine the role of this variant in disease. Therefore, it has been classified as a Variant of Uncertain Significance.

Ambry Genetics
Classification: Uncertain significance for Hereditary cancer-predisposing syndrome. Last evaluated: 2024-06-20. Review status: criteria provided, single submitter. Criteria: Ambry Variant Classification Scheme 2023. Collection method: clinical testing. Allele origin: germline.
Comment: The p.S946G variant (also known as c.2836A>G), located in coding exon 24 of the TSC2 gene, results from an A to G substitution at nucleotide position 2836. The serine at codon 946 is replaced by glycine, an amino acid with similar properties. This amino acid position is highly conserved in available vertebrate species. In addition, this alteration is predicted to be deleterious by in silico analysis. Based on the available evidence, the clinical significance of this variant remains unclear.

Genomic Medicine Center of Excellence, King Faisal Specialist Hospital and Research Centre
Classification: Uncertain significance for Tuberous sclerosis 2. Last evaluated: 2024-03-26. Review status: criteria provided, single submitter. Criteria: ACMG Guidelines, 2015. Collection method: clinical testing. Allele origin: germline.

Baylor Genetics
Classification: Uncertain significance for Isolated focal cortical dysplasia type II. Last evaluated: 2023-07-31. Review status: criteria provided, single submitter. Criteria: ACMG Guidelines, 2015. Collection method: clinical testing. Allele origin: unknown.